The following is an entry in ClinVar:

NM_001161352.2(KCNMA1):c.1847C>G (p.Pro616Arg)

Gene: KCNMA1 (potassium calcium-activated channel subfamily M alpha 1; minus strand). Cytogenetic location: 10q22.3.
Variant type: single nucleotide variant.
Coding change: c.1847C>G on transcript NM_001161352.2 (MANE Select); coding-DNA position 1847, C replaced by G.
Protein change: p.Pro616Arg; replaces proline 616 with arginine.
Molecular consequence: missense variant.
Genome position (GRCh38, 1-based): chr10:77,039,540, G>C on the plus strand (C>G on the coding strand, the complement: KCNMA1 is on the minus strand). VCF-style: chr10-77039540-G-C. GRCh37 (hg19) VCF-style: chr10-78799298-G-C.
Other names: c.1847C>G, p.Pro616Arg (NM_001014797.3, NM_001161353.2, NM_001271519.2 and 7 more transcripts); c.1685C>G, p.Pro562Arg (NM_001271518.2); c.1307C>G, p.Pro436Arg (NM_001322838.2); short protein forms P436R, P616R, P562R.
Identifiers: ClinVar variation 949671 (VCV000949671.1), dbSNP rs2094530696, ClinGen allele CA377410011.

ClinVar aggregate classification (germline): Uncertain significance (1 of 4 stars; one submission).

Conditions:
Generalized epilepsy-paroxysmal dyskinesia syndrome (PNKD3). Also called: Paroxysmal nonkinesigenic dyskinesia, 3, with or without generalized epilepsy; Generalized epilepsy and paroxysmal dyskinesia. Identifiers: Orphanet 79137, MedGen C5574945, MONDO:0012276, OMIM 609446.

Submission:

Labcorp Genetics (formerly Invitae), Labcorp
Classification: Uncertain significance for Paroxysmal nonkinesigenic dyskinesia, 3, with or without generalized epilepsy. Last evaluated: 2019-08-15. Review status: criteria provided, single submitter. Criteria: Invitae Variant Classification Sherloc (09022015). Collection method: clinical testing. Allele origin: germline.
Comment: This sequence change replaces proline with arginine at codon 616 of the KCNMA1 protein (p.Pro616Arg). The proline residue is highly conserved and there is a moderate physicochemical difference between proline and arginine. This variant is not present in population databases (ExAC no frequency). This variant has not been reported in the literature in individuals with KCNMA1-related conditions. Algorithms developed to predict the effect of missense changes on protein structure and function (SIFT, PolyPhen-2, Align-GVGD) all suggest that this variant is likely to be disruptive, but these predictions have not been confirmed by published functional studies and their clinical significance is uncertain. In summary, the available evidence is currently insufficient to determine the role of this variant in disease. Therefore, it has been classified as a Variant of Uncertain Significance.